The following is an entry in ClinVar:

NM_001283009.2(RTEL1):c.1492G>A (p.Val498Ile)

Genes: RTEL1 (regulator of telomere elongation helicase 1; plus strand), RTEL1-TNFRSF6B (RTEL1-TNFRSF6B readthrough (NMD candidate); plus strand). Cytogenetic location: 20q13.33.
Variant type: single nucleotide variant.
Coding change: c.1492G>A on transcript NM_001283009.2 (MANE Select); coding-DNA position 1492, G replaced by A.
Protein change: p.Val498Ile; replaces valine 498 with isoleucine.
Molecular consequence: missense variant. On other transcripts: non-coding transcript variant (1).
Genome position (GRCh38, 1-based): chr20:63,687,947, G>A. VCF-style: chr20-63687947-G-A. GRCh37 (hg19) VCF-style: chr20-62319300-G-A.
Other names: c.823G>A, p.Val275Ile (NM_001283010.1); c.1492G>A, p.Val498Ile (NM_016434.4); c.1564G>A, p.Val522Ile (NM_032957.5); short protein forms V275I, V498I, V522I.
Identifiers: ClinVar variation 3948448 (VCV003948448.1).

ClinVar aggregate classification (germline): Uncertain significance (1 of 4 stars; one submission).

Conditions:
Inborn genetic diseases. Identifiers: MedGen C0950123, MeSH D030342.

gnomAD v4.1: 1 of 1,612,634 alleles (0.000062%); highest among the groups gnomAD compares: Non-Finnish European, 0.000085%; no homozygotes.

Submission:

Ambry Genetics
Classification: Uncertain significance for Inborn genetic diseases. Last evaluated: 2025-06-02. Review status: criteria provided, single submitter. Criteria: Ambry Variant Classification Scheme 2023. Collection method: clinical testing. Allele origin: germline.
Comment: The p.V498I variant (also known as c.1492G>A), located in coding exon 17 of the RTEL1 gene, results from a G to A substitution at nucleotide position 1492. The valine at codon 498 is replaced by isoleucine, an amino acid with highly similar properties. This amino acid position is conserved. In addition, this alteration is predicted to be tolerated by in silico analysis. Based on the available evidence, the clinical significance of this variant remains unclear.